The following is an entry in ClinVar:

ClinVar aggregate classification (germline): Conflicting classifications of pathogenicity. Review status: criteria provided, conflicting classifications (1 of 4 stars). 2 submissions from 2 submitters: Uncertain significance (1); Likely benign (1). Last evaluated 2026-04-01.

gnomAD v4.1: 212 of 1,535,286 alleles (0.014%); highest among the groups gnomAD compares: African/African-American, 0.12%; no homozygotes.

Submissions (2):

CeGaT Center for Human Genetics Tuebingen
Classification: Likely benign. Last evaluated: 2026-04-01. Review status: criteria provided, single submitter. Criteria: CeGaT Center For Human Genetics Tuebingen Variant Classification Criteria Version 2. Collection method: clinical testing. Allele origin: germline. Affected: yes. Observed: 1 variant allele.
Comment: ZFHX2: BP4, BS1

Ambry Genetics
Classification: Uncertain significance. Last evaluated: 2025-03-04. Review status: criteria provided, single submitter. Criteria: Ambry Variant Classification Scheme 2023. Collection method: clinical testing. Allele origin: germline.

NM_033400.3(ZFHX2):c.4285G>A (p.Asp1429Asn)

Genes: THTPA (thiamine triphosphatase; plus strand), ZFHX2 (zinc finger homeobox 2; minus strand). Cytogenetic location: 14q11.2.
Variant type: single nucleotide variant.
Coding change: c.4285G>A on transcript NM_033400.3 (MANE Select); coding-DNA position 4285, G replaced by A.
Protein change: p.Asp1429Asn; replaces aspartic acid 1429 with asparagine.
Molecular consequence: missense variant.
Genome position (GRCh38, 1-based): chr14:23,525,657, C>T on the plus strand (G>A on the coding strand, the complement: ZFHX2 is on the minus strand). VCF-style: chr14-23525657-C-T. GRCh37 (hg19) VCF-style: chr14-23994866-C-T.
Other names: short protein forms D1429N.
Identifiers: ClinVar variation 2356469 (VCV002356469.5), dbSNP rs753603580, ClinGen allele CA7116941.